The following is an entry in ClinVar:

ClinVar aggregate classification (germline): Uncertain significance (1 of 4 stars; one submission).

Allele frequency attached by ClinVar (database versions not stated): gnomAD exomes below 0.00001.

Submission:

Labcorp Genetics (formerly Invitae), Labcorp
Classification: Uncertain significance. Last evaluated: 2023-07-25. Review status: criteria provided, single submitter. Criteria: Invitae Variant Classification Sherloc (09022015). Collection method: clinical testing. Allele origin: germline.
Comment: An algorithm developed to predict the effect of missense changes on protein structure and function (PolyPhen-2) suggests that this variant is likely to be tolerated. In summary, the available evidence is currently insufficient to determine the role of this variant in disease. Therefore, it has been classified as a Variant of Uncertain Significance. This variant has not been reported in the literature in individuals affected with RAB11B-related conditions. This variant is not present in population databases (gnomAD no frequency). This sequence change replaces glycine, which is neutral and non-polar, with aspartic acid, which is acidic and polar, at codon 57 of the RAB11B protein (p.Gly57Asp).

NM_004218.4(RAB11B):c.170G>A (p.Gly57Asp)

Gene: RAB11B (RAB11B, member RAS oncogene family; plus strand). Cytogenetic location: 19p13.2.
Variant type: single nucleotide variant.
Coding change: c.170G>A on transcript NM_004218.4 (MANE Select); coding-DNA position 170, G replaced by A.
Protein change: p.Gly57Asp; replaces glycine 57 with aspartic acid.
Molecular consequence: missense variant.
Genome position (GRCh38, 1-based): chr19:8,399,992, G>A. VCF-style: chr19-8399992-G-A. GRCh37 (hg19) VCF-style: chr19-8464876-G-A.
Other names: short protein forms G57D.
Identifiers: ClinVar variation 2729402 (VCV002729402.3), dbSNP rs866295821, ClinGen allele CA304975087.